The following is an entry in ClinVar:

NM_002334.4(LRP4):c.4951+10A>G

Genes: LRP4 (LDL receptor related protein 4; minus strand), LRP4-AS1 (LRP4 antisense RNA 1; plus strand). Cytogenetic location: 11p11.2.
Variant type: single nucleotide variant.
Coding change: c.4951+10A>G on transcript NM_002334.4 (MANE Select); 10 bases into the intron after coding-DNA position 4951, A replaced by G.
Molecular consequence: intron variant.
Genome position (GRCh38, 1-based): chr11:46,868,590, T>C on the plus strand (A>G on the coding strand, the complement: LRP4 is on the minus strand). VCF-style: chr11-46868590-T-C. GRCh37 (hg19) VCF-style: chr11-46890141-T-C.
Other names: p.?.
Identifiers: ClinVar variation 1166481 (VCV001166481.10), dbSNP rs371455422, ClinGen allele CA5969196.

ClinVar aggregate classification (germline): Benign/Likely benign. Review status: criteria provided, multiple submitters, no conflicts (2 of 4 stars). 2 submissions from 2 submitters: Benign (1); Likely benign (1). Last evaluated 2025-10-28.

Conditions:
Cenani-Lenz syndactyly syndrome. Also called: CENANI SYNDACTYLISM; SYNDACTYLY, TYPE VII. Identifiers: Orphanet 3258, MedGen C1859309, MONDO:0008931, OMIM 212780.
Sclerosteosis 2 (SOST2). Identifiers: Orphanet 3152, MedGen C3280402, MONDO:0013679, OMIM 614305.
Congenital myasthenic syndrome 17. Identifiers: Orphanet 590, MedGen C4225377, MONDO:0014578, OMIM 616304.

Allele frequency attached by ClinVar (database versions not stated): 1000 Genomes Project 30x 0.00047; TOPMed 0.00074; gnomAD 0.00093 and 0.00084; gnomAD exomes 0.00014 and 0.00005; 1000 Genomes Project 0.00060; ESP Exome Variant Server 0.00069; ExAC 0.00014.
gnomAD v4.1: 197 of 1,597,832 alleles (0.012%); highest among the groups gnomAD compares: African/African-American, 0.25%; 2 homozygotes.

Submissions (2):

Labcorp Genetics (formerly Invitae), Labcorp
Classification: Benign for Cenani-Lenz syndactyly syndrome; Sclerosteosis 2; Congenital myasthenic syndrome 17. Last evaluated: 2025-10-28. Review status: criteria provided, single submitter. Criteria: Invitae Variant Classification Sherloc (09022015). Collection method: clinical testing. Allele origin: germline.

Mayo Clinic Laboratories, Mayo Clinic
Classification: Likely benign. Last evaluated: 2025-04-02. Review status: criteria provided, single submitter. Criteria: ACMG Guidelines, 2015. Collection method: clinical testing. Allele origin: germline. Observed: 1 variant allele.
Comment: BS1, BP4, BP7